The following is an entry in ClinVar:

ClinVar aggregate classification (germline): Uncertain significance (1 of 4 stars; one submission).

Conditions:
Tuberous sclerosis 2 (TSC2). Identifiers: Orphanet 805, MedGen C1860707, MONDO:0013199, OMIM 613254.

Submission:

Labcorp Genetics (formerly Invitae), Labcorp
Classification: Uncertain significance for Tuberous sclerosis 2. Last evaluated: 2024-07-03. Review status: criteria provided, single submitter. Criteria: Invitae Variant Classification Sherloc (09022015). Collection method: clinical testing. Allele origin: germline.
Comment: This sequence change falls in intron 4 of the TSC2 gene. It does not directly change the encoded amino acid sequence of the TSC2 protein. It affects a nucleotide within the consensus splice site. This variant is not present in population databases (gnomAD no frequency). This variant has not been reported in the literature in individuals affected with TSC2-related conditions. Variants that disrupt the consensus splice site are a relatively common cause of aberrant splicing (PMID: 17576681, 9536098). Studies have shown that this variant is associated with altered splicing resulting in multiple RNA products (Invitae). In summary, the available evidence is currently insufficient to determine the role of this variant in disease. Therefore, it has been classified as a Variant of Uncertain Significance.

Literature cited by the submitters: PubMed 17576681; PubMed 9536098.

NM_000548.5(TSC2):c.336+4A>G

Gene: TSC2 (TSC complex subunit 2; plus strand). Cytogenetic location: 16p13.3.
Variant type: single nucleotide variant.
Coding change: c.336+4A>G on transcript NM_000548.5 (MANE Select); 4 bases into the intron after coding-DNA position 336, A replaced by G.
Molecular consequence: intron variant. On other transcripts: missense variant (3), 5 prime UTR variant (1).
Genome position (GRCh38, 1-based): chr16:2,053,456, A>G. VCF-style: chr16-2053456-A-G. GRCh37 (hg19) VCF-style: chr16-2103457-A-G.
Other names: c.340A>G, p.Arg114Gly (NM_001406667.1, NM_001406668.1); c.193A>G, p.Arg65Gly (NM_001406677.1); c.-1398A>G (NM_001406693.1); c.-481+4A>G (NM_001406680.1, NM_001406683.1, NM_001406687.1); c.-1096+4A>G (NM_001406689.1, NM_001406690.1, NM_001406692.1 and 2 more transcripts); c.-1272+4A>G (NM_001406698.1); c.336+4A>G (NM_001114382.3, NM_001406663.1, NM_001406664.1 and 8 more transcripts); c.-977+4A>G (NM_001406694.1, NM_001406695.1); and 6 more; short protein forms R114G, R65G.
Identifiers: ClinVar variation 3658567 (VCV003658567.2).